The following is an entry in ClinVar:

ClinVar aggregate classification (germline): Uncertain significance (1 of 4 stars; one submission).

Conditions:
Hereditary sensory and autonomic neuropathy type 1 (HSAN1). Also called: HSAN 1; HSN Type I; Hereditary Sensory Neuropathy Type I. Identifiers: Orphanet 36386, MedGen C0020071, MONDO:0018213.

Allele frequency attached by ClinVar (database versions not stated): gnomAD exomes below 0.00001.
gnomAD v4.1: 1 of 1,611,096 alleles (0.000062%); highest among the groups gnomAD compares: Non-Finnish European, 0.000085%; no homozygotes.

Submission:

Labcorp Genetics (formerly Invitae), Labcorp
Classification: Uncertain significance for Hereditary sensory and autonomic neuropathy type 1. Last evaluated: 2023-01-21. Review status: criteria provided, single submitter. Criteria: Invitae Variant Classification Sherloc (09022015). Collection method: clinical testing. Allele origin: germline.
Comment: This variant has not been reported in the literature in individuals affected with SPTLC1-related conditions. This variant is not present in population databases (gnomAD no frequency). This sequence change falls in intron 11 of the SPTLC1 gene. It does not directly change the encoded amino acid sequence of the SPTLC1 protein. It affects a nucleotide within the consensus splice site. In summary, the available evidence is currently insufficient to determine the role of this variant in disease. Therefore, it has been classified as a Variant of Uncertain Significance. Variants that disrupt the consensus splice site are a relatively common cause of aberrant splicing (PMID: 17576681, 9536098). Algorithms developed to predict the effect of sequence changes on RNA splicing suggest that this variant may disrupt the consensus splice site. ClinVar contains an entry for this variant (Variation ID: 1414707).

Literature cited by the submitters: PubMed 17576681; PubMed 9536098.

NM_006415.4(SPTLC1):c.1081+3A>C

Gene: SPTLC1 (serine palmitoyltransferase long chain base subunit 1; minus strand). Cytogenetic location: 9q22.31.
Variant type: single nucleotide variant.
Coding change: c.1081+3A>C on transcript NM_006415.4 (MANE Select); 3 bases into the intron after coding-DNA position 1081, A replaced by C.
Molecular consequence: intron variant.
Genome position (GRCh38, 1-based): chr9:92,047,169, T>G on the plus strand (A>C on the coding strand, the complement: SPTLC1 is on the minus strand). VCF-style: chr9-92047169-T-G. GRCh37 (hg19) VCF-style: chr9-94809451-T-G.
Other names: c.1081+3A>C (NM_001281303.2); c.715+3A>C (NM_001368272.1); c.616+3A>C (NM_001368273.1).
Identifiers: ClinVar variation 1414707 (VCV001414707.6), dbSNP rs2118447428, ClinGen allele CA2573144764.